The following is an entry in ClinVar:

ClinVar aggregate classification (germline): Conflicting classifications of pathogenicity. Review status: criteria provided, conflicting classifications (1 of 4 stars). 7 submissions from 7 submitters: Likely pathogenic (3); Uncertain significance (4). Last evaluated 2025-09-24.

Conditions:
Muscular dystrophy-dystroglycanopathy (congenital with brain and eye anomalies), type A2. Also called: MUSCULAR DYSTROPHY-DYSTROGLYCANOPATHY (CONGENITAL WITH BRAIN AND EYE ANOMALIES), TYPE A, 2; WALKER-WARBURG SYNDROME OR MUSCLE-EYE-BRAIN DISEASE, POMT2-RELATED. Identifiers: Orphanet 588, Orphanet 899, MedGen C3150411, MONDO:0013154, OMIM 613150.
Muscular dystrophy-dystroglycanopathy (congenital with impaired intellectual development), type B, 2. Also called: MUSCULAR DYSTROPHY, CONGENITAL, POMT2-RELATED; Muscular dystrophy-dystroglycanopathy (congenital with intellectual disability), type B2. Identifiers: MedGen C3150416, MONDO:0013160, OMIM 613156.
Autosomal recessive limb-girdle muscular dystrophy type 2N. Also called: Muscular dystrophy-dystroglycanopathy (limb-girdle), type C, 2; MUSCULAR DYSTROPHY-DYSTROGLYCANOPATHY, LIMB-GIRDLE, POMT2-RELATED. Identifiers: Orphanet 206559, MedGen C3150418, MONDO:0013162, OMIM 613158.
Muscular dystrophy-dystroglycanopathy (congenital with brain and eye anomalies), type A1 (MDDGA1). Also called: COD-MD SYNDROME; WALKER-WARBURG SYNDROME OR MUSCLE-EYE-BRAIN DISEASE, POMT1-RELATED; Hydrocephalus, agyria and retinal dysplasia; Hard +/- E syndrome; Warburg syndrome; Chemke syndrome. Identifiers: Orphanet 588, Orphanet 899, MedGen C4284790, MONDO:0009364, OMIM 236670.

Allele frequency attached by ClinVar (database versions not stated): gnomAD 0.00001; TOPMed 0.00001; gnomAD exomes 0.00002 and 0.00004; ExAC 0.00002.
gnomAD v4.1: 26 of 1,613,742 alleles (0.0016%); highest among the groups gnomAD compares: East Asian, 0.0089%; no homozygotes.

Submissions (7):

Genesolutions, Medical Genetics Institutes, Ho Chi Minh City, Vietnam
Classification: Likely pathogenic for Muscular dystrophy-dystroglycanopathy (congenital with impaired intellectual development), type B, 2. Last evaluated: 2025-09-24. Review status: criteria provided, single submitter. Criteria: ACMG Guidelines, 2015. Collection method: clinical testing. Allele origin: germline. Affected: yes.

Genomic Medicine Center of Excellence, King Faisal Specialist Hospital and Research Centre
Classification: Uncertain significance for Muscular dystrophy-dystroglycanopathy (congenital with brain and eye anomalies), type A2. Last evaluated: 2024-04-04. Review status: criteria provided, single submitter. Criteria: ACMG Guidelines, 2015. Collection method: clinical testing. Allele origin: germline.

Department of Pathology and Laboratory Medicine, Sinai Health System
Classification: Uncertain significance for Muscular dystrophy-dystroglycanopathy (congenital with brain and eye anomalies), type A1; Muscular dystrophy-dystroglycanopathy (congenital with brain and eye anomalies), type A2; Muscular dystrophy-dystroglycanopathy (congenital with impaired intellectual development), type B, 2; Autosomal recessive limb-girdle muscular dystrophy type 2N. Last evaluated: 2023-08-08. Review status: criteria provided, single submitter. Criteria: ACMG Guidelines, 2015. Collection method: research. Allele origin: germline.

GeneDx
Classification: Uncertain significance. Last evaluated: 2023-03-07. Review status: criteria provided, single submitter. Criteria: GeneDx Variant Classification Process June 2021. Collection method: clinical testing. Allele origin: germline. Affected: yes.
Comment: In silico analysis supports that this missense variant has a deleterious effect on protein structure/function; Has not been previously published as pathogenic or benign to our knowledge

Labcorp Genetics (formerly Invitae), Labcorp
Classification: Uncertain significance for Muscular dystrophy-dystroglycanopathy (congenital with impaired intellectual development), type B, 2; Muscular dystrophy-dystroglycanopathy (congenital with brain and eye anomalies), type A2; Autosomal recessive limb-girdle muscular dystrophy type 2N. Last evaluated: 2022-06-27. Review status: criteria provided, single submitter. Criteria: Invitae Variant Classification Sherloc (09022015). Collection method: clinical testing. Allele origin: germline.
Comment: This sequence change replaces arginine, which is basic and polar, with glutamine, which is neutral and polar, at codon 659 of the POMT2 protein (p.Arg659Gln). This variant is present in population databases (rs770606360, gnomAD 0.02%). This variant has not been reported in the literature in individuals affected with POMT2-related conditions. ClinVar contains an entry for this variant (Variation ID: 1030284). Algorithms developed to predict the effect of missense changes on protein structure and function (SIFT, PolyPhen-2, Align-GVGD) all suggest that this variant is likely to be disruptive. Algorithms developed to predict the effect of sequence changes on RNA splicing suggest that this variant may create or strengthen a splice site. In summary, the available evidence is currently insufficient to determine the role of this variant in disease. Therefore, it has been classified as a Variant of Uncertain Significance.

Baylor Genetics
Classification: Likely pathogenic for Muscular dystrophy-dystroglycanopathy (congenital with brain and eye anomalies), type A2. Last evaluated: 2020-07-15. Review status: criteria provided, single submitter. Criteria: ACMG Guidelines, 2015. Collection method: clinical testing. Allele origin: unknown. Affected: yes.
Comment: This variant was determined to be likely pathogenic according to ACMG Guidelines, 2015 [PMID:25741868].

Genomic Medicine Lab, University of California San Francisco
Classification: Likely pathogenic for Muscular dystrophy-dystroglycanopathy (congenital with brain and eye anomalies), type A2. Last evaluated: 2019-11-07. Review status: criteria provided, single submitter. Criteria: ACMG Guidelines, 2015. Collection method: clinical testing. Allele origin: germline. Inheritance: Autosomal recessive inheritance. Affected: yes. Study: CSER-P3EGS.

NM_013382.7(POMT2):c.1976G>A (p.Arg659Gln)

Gene: POMT2 (protein O-mannosyltransferase 2; minus strand). Cytogenetic location: 14q24.3.
Variant type: single nucleotide variant.
Coding change: c.1976G>A on transcript NM_013382.7 (MANE Select); coding-DNA position 1976, G replaced by A.
Protein change: p.Arg659Gln; replaces arginine 659 with glutamine.
Molecular consequence: missense variant.
Genome position (GRCh38, 1-based): chr14:77,278,785, C>T on the plus strand (G>A on the coding strand, the complement: POMT2 is on the minus strand). VCF-style: chr14-77278785-C-T. GRCh37 (hg19) VCF-style: chr14-77745128-C-T.
Other names: short protein forms R659Q.
Identifiers: ClinVar variation 1030284 (VCV001030284.11), dbSNP rs770606360, ClinGen allele CA7285581.